The following is an entry in ClinVar:

ClinVar aggregate classification (germline): Uncertain significance (1 of 4 stars; one submission).

Submission:

GeneDx
Classification: Uncertain significance. Last evaluated: 2022-10-14. Review status: criteria provided, single submitter. Criteria: GeneDx Variant Classification Process June 2021. Collection method: clinical testing. Allele origin: germline. Affected: yes.
Comment: Not observed at significant frequency in large population cohorts (gnomAD); In silico analysis supports that this missense variant has a deleterious effect on protein structure/function; Has not been previously published as pathogenic or benign to our knowledge

NM_001326342.2(CELF2):c.127G>A (p.Asp43Asn)

Gene: CELF2 (CUGBP Elav-like family member 2; plus strand). Cytogenetic location: 10p14.
Variant type: single nucleotide variant.
Coding change: c.127G>A on transcript NM_001326342.2 (MANE Select); coding-DNA position 127, G replaced by A.
Protein change: p.Asp43Asn; replaces aspartic acid 43 with asparagine.
Molecular consequence: missense variant. On other transcripts: 5 prime UTR variant (4).
Genome position (GRCh38, 1-based): chr10:11,165,538, G>A. VCF-style: chr10-11165538-G-A. GRCh37 (hg19) VCF-style: chr10-11207501-G-A.
Other names: c.34G>A, p.Asp12Asn (NM_001025076.2, NM_001083591.1, NM_001326317.2 and 15 more transcripts); c.106G>A, p.Asp36Asn (NM_001025077.3, NM_001326331.2, NM_001326332.2 and 4 more transcripts); c.199G>A, p.Asp67Asn (NM_001326325.2); c.142G>A, p.Asp48Asn (NM_001326326.2, NM_001326327.2); c.-499G>A (NM_001326333.2); c.-145G>A (NM_001326338.2, NM_001326339.2); c.127G>A, p.Asp43Asn (NM_001326340.2, NM_001326341.2, NM_001326343.2 and 4 more transcripts); c.-416G>A (NM_001326346.2); and 1 more; short protein forms D12N, D20N, D36N, D43N, D48N, D67N.
Identifiers: ClinVar variation 2501315 (VCV002501315.1), dbSNP rs2546599909, ClinGen allele CA375986695.